The following is an entry in ClinVar:

ClinVar aggregate classification (germline): Uncertain significance (1 of 4 stars; one submission).

Conditions:
Tuberous sclerosis 2 (TSC2). Identifiers: Orphanet 805, MedGen C1860707, MONDO:0013199, OMIM 613254.

gnomAD v4.1: 2 of 1,613,172 alleles (0.00012%); no homozygotes.

Submission:

Labcorp Genetics (formerly Invitae), Labcorp
Classification: Uncertain significance for Tuberous sclerosis 2. Last evaluated: 2025-06-03. Review status: criteria provided, single submitter. Criteria: Invitae Variant Classification Sherloc (09022015). Collection method: clinical testing. Allele origin: germline.
Comment: This sequence change falls in intron 34 of the TSC2 gene. It does not directly change the encoded amino acid sequence of the TSC2 protein. This variant is present in population databases (no rsID available, gnomAD 0.01%). This variant has not been reported in the literature in individuals affected with TSC2-related conditions. Algorithms developed to predict the effect of sequence changes on RNA splicing suggest that this variant may disrupt the consensus splice site. In summary, the available evidence is currently insufficient to determine the role of this variant in disease. Therefore, it has been classified as a Variant of Uncertain Significance.

NM_000548.5(TSC2):c.4494-19C>G

Gene: TSC2 (TSC complex subunit 2; plus strand). Cytogenetic location: 16p13.3.
Variant type: single nucleotide variant.
Coding change: c.4494-19C>G on transcript NM_000548.5 (MANE Select); 19 bases into the intron before coding-DNA position 4494, C replaced by G.
Molecular consequence: intron variant.
Genome position (GRCh38, 1-based): chr16:2,084,932, C>G. VCF-style: chr16-2084932-C-G. GRCh37 (hg19) VCF-style: chr16-2134933-C-G.
Other names: c.2952-19C>G (NM_001406693.1, NM_001406692.1, NM_001406694.1); c.4386-19C>G (NM_001406667.1); c.4383-19C>G (NM_001406668.1); c.3894-19C>G (NM_001406680.1); c.3825-19C>G (NM_001406683.1, NM_001406682.1); c.3693-19C>G (NM_001406687.1, NM_001406688.1); c.3081-19C>G (NM_001406689.1); c.3021-19C>G (NM_001406690.1); and 26 more.
Identifiers: ClinVar variation 4763538 (VCV004763538.1).